The following is an entry in ClinVar:

NM_000532.5(PCCB):c.1355A>C (p.Asn452Thr)

Gene: PCCB (propionyl-CoA carboxylase subunit beta; plus strand). Cytogenetic location: 3q22.3.
Variant type: single nucleotide variant.
Coding change: c.1355A>C on transcript NM_000532.5 (MANE Select); coding-DNA position 1355, A replaced by C.
Protein change: p.Asn452Thr; replaces asparagine 452 with threonine.
Molecular consequence: missense variant.
Genome position (GRCh38, 1-based): chr3:136,327,689, A>C. VCF-style: chr3-136327689-A-C. GRCh37 (hg19) VCF-style: chr3-136046531-A-C.
Other names: c.1415A>C, p.Asn472Thr (NM_001178014.2); short protein forms N452T, N472T.
Identifiers: ClinVar variation 423569 (VCV000423569.2), dbSNP rs746240889, ClinGen allele CA16617832.

ClinVar aggregate classification (germline): Uncertain significance (1 of 4 stars; one submission).

Submission:

GeneDx
Classification: Uncertain significance. Last evaluated: 2017-02-12. Review status: criteria provided, single submitter. Criteria: GeneDx Variant Classification (06012015). Collection method: clinical testing. Allele origin: germline. Affected: yes.
Comment: The N452T variant has not been published as a pathogenic variant, nor has it been reported as a benign variant to our knowledge. The N452T variant is not observed in large population cohorts (Lek et al., 2016; 1000 Genomes Consortium et al., 2015; Exome Variant Server). The N452T variant is a conservative amino acid substitution, which is not likely to impact secondary protein structure as these residues share similar properties. This substitution occurs at a position that is conserved across species. In silico analysis predicts this variant is probably damaging to the protein structure/function. In summary, based on the currently available information, it is unclear whether this variant is a pathogenic variant or a rare benign variant.